The following is an entry in ClinVar:

ClinVar aggregate classification (germline): Uncertain significance. Review status: criteria provided, multiple submitters, no conflicts (2 of 4 stars). 2 submissions from 2 submitters: Uncertain significance (2). Last evaluated 2024-09-27.

Conditions:
Inborn genetic diseases. Identifiers: MedGen C0950123, MeSH D030342.
Nemaline myopathy 8 (NEM8). Also called: Nemaline myopathy 8, autosomal recessive. Identifiers: Orphanet 171430, MedGen C3809209, MONDO:0014138, OMIM 615348.

Allele frequency attached by ClinVar (database versions not stated): ExAC 0.00001; TOPMed 0.00001.

Submissions (2):

Ambry Genetics
Classification: Uncertain significance for Inborn genetic diseases. Last evaluated: 2024-09-27. Review status: criteria provided, single submitter. Criteria: Ambry Variant Classification Scheme 2023. Collection method: clinical testing. Allele origin: germline.

Labcorp Genetics (formerly Invitae), Labcorp
Classification: Uncertain significance for Nemaline myopathy 8. Last evaluated: 2022-08-16. Review status: criteria provided, single submitter. Criteria: Invitae Variant Classification Sherloc (09022015). Collection method: clinical testing. Allele origin: germline.
Comment: This sequence change replaces serine, which is neutral and polar, with tryptophan, which is neutral and slightly polar, at codon 173 of the KLHL40 protein (p.Ser173Trp). This variant is present in population databases (rs774662858, gnomAD 0.003%). This variant has not been reported in the literature in individuals affected with KLHL40-related conditions. ClinVar contains an entry for this variant (Variation ID: 1022002). Algorithms developed to predict the effect of missense changes on protein structure and function (SIFT, PolyPhen-2, Align-GVGD) all suggest that this variant is likely to be disruptive. In summary, the available evidence is currently insufficient to determine the role of this variant in disease. Therefore, it has been classified as a Variant of Uncertain Significance.

NM_152393.4(KLHL40):c.518C>G (p.Ser173Trp)

Gene: KLHL40 (kelch like family member 40; plus strand). Cytogenetic location: 3p22.1.
Variant type: single nucleotide variant.
Coding change: c.518C>G on transcript NM_152393.4 (MANE Select); coding-DNA position 518, C replaced by G.
Protein change: p.Ser173Trp; replaces serine 173 with tryptophan.
Molecular consequence: missense variant.
Genome position (GRCh38, 1-based): chr3:42,686,136, C>G. VCF-style: chr3-42686136-C-G. GRCh37 (hg19) VCF-style: chr3-42727628-C-G.
Other names: c.518C>G (NM_152393.2); short protein forms S173W.
Identifiers: ClinVar variation 1022002 (VCV001022002.3), dbSNP rs774662858, ClinGen allele CA2336674.